The following is an entry in ClinVar:

ClinVar aggregate classification (germline): Uncertain significance (1 of 4 stars; one submission).

Conditions:
Cardiovascular phenotype. Identifiers: MedGen CN230736.

gnomAD v4.1: 13 of 1,614,136 alleles (0.00081%); highest among the groups gnomAD compares: Non-Finnish European, 0.0011%; no homozygotes.

Submission:

Ambry Genetics
Classification: Uncertain significance for Cardiovascular phenotype. Last evaluated: 2024-08-31. Review status: criteria provided, single submitter. Criteria: Ambry Variant Classification Scheme 2023. Collection method: clinical testing. Allele origin: germline.
Comment: The p.I1196T variant (also known as c.3587T>C), located in coding exon 17 of the MYPN gene, results from a T to C substitution at nucleotide position 3587. The isoleucine at codon 1196 is replaced by threonine, an amino acid with similar properties. This amino acid position is conserved. In addition, this alteration is predicted to be tolerated by in silico analysis. Based on the available evidence, the clinical significance of this variant remains unclear.

NM_032578.4(MYPN):c.3587T>C (p.Ile1196Thr)

Gene: MYPN (myopalladin; plus strand). Cytogenetic location: 10q21.3.
Variant type: single nucleotide variant.
Coding change: c.3587T>C on transcript NM_032578.4 (MANE Select); coding-DNA position 3587, T replaced by C.
Protein change: p.Ile1196Thr; replaces isoleucine 1196 with threonine.
Molecular consequence: missense variant. On other transcripts: non-coding transcript variant (2).
Genome position (GRCh38, 1-based): chr10:68,201,922, T>C. VCF-style: chr10-68201922-T-C. GRCh37 (hg19) VCF-style: chr10-69961679-T-C.
Other names: c.3587T>C, p.Ile1196Thr (NM_001256267.2); c.2705T>C, p.Ile902Thr (NM_001256268.2); short protein forms I902T, I1196T.
Identifiers: ClinVar variation 3402035 (VCV003402035.1).